The following is an entry in ClinVar:

NM_001199397.3(NEK1):c.1833+158A>T

Gene: NEK1 (NIMA related kinase 1; minus strand). Cytogenetic location: 4q33.
Variant type: single nucleotide variant.
Coding change: c.1833+158A>T on transcript NM_001199397.3 (MANE Select); 158 bases into the intron after coding-DNA position 1833, A replaced by T.
Molecular consequence: intron variant.
Genome position (GRCh38, 1-based): chr4:169,508,090, T>A on the plus strand (A>T on the coding strand, the complement: NEK1 is on the minus strand). VCF-style: chr4-169508090-T-A. GRCh37 (hg19) VCF-style: chr4-170429241-T-A.
Other names: c.1623+158A>T (NM_001374421.1); c.1698+158A>T (NM_001374420.1); c.1542+158A>T (NM_001199399.3); c.1701+158A>T (NM_001199398.3); c.1749+158A>T (NM_001374419.1, NM_012224.4); c.1617+158A>T (NM_001199400.3); c.1833+158A>T (NM_001374418.1).
Identifiers: ClinVar variation 667926 (VCV000667926.2), dbSNP rs66858776, ClinGen allele CA11913138.
Genomic context (GRCh38, chr4:169,508,090, plus strand): 5'-TTATATTTTCCTCTCAGAATTTCTCTGGAACAAATGGTCTTATCAATTTAAAATCACATA[T>A]ATAAGATTTACTTTATGTGTAGTTTTTTGATCTTTGAACTTCCACTGTCGTCATCAGTTT-3'

ClinVar aggregate classification (germline): Benign. Review status: criteria provided, multiple submitters, no conflicts (2 of 4 stars). 2 submissions from 2 submitters: Benign (2). Last evaluated 2018-06-19.

Allele frequency attached by ClinVar (database versions not stated): 1000 Genomes Project 30x 0.20987; 1000 Genomes Project 0.20407.
gnomAD v4.1: 29,335 of 152,126 alleles (19%); highest among the groups gnomAD compares: African/African-American, 41%; 4,247 homozygotes.

Submissions (2):

GeneDx
Classification: Benign. Last evaluated: 2018-06-19. Review status: criteria provided, single submitter. Criteria: GeneDx Variant Classification (06012015). Collection method: clinical testing. Allele origin: germline. Affected: yes.
Comment: This variant is considered likely benign or benign based on one or more of the following criteria: it is a conservative change, it occurs at a poorly conserved position in the protein, it is predicted to be benign by multiple in silico algorithms, and/or has population frequency not consistent with disease.

Breakthrough Genomics
Classification: Benign. Review status: criteria provided, single submitter. Criteria: ACMG Guidelines, 2015. Collection method: not provided. Allele origin: germline. Inheritance: Autosomal recessive inheritance. Affected: yes.